The following is an entry in ClinVar:

NM_020843.4(SCAPER):c.619A>G (p.Thr207Ala)

Gene: SCAPER (S-phase cyclin A associated protein in the ER; minus strand). Cytogenetic location: 15q24.3.
Variant type: single nucleotide variant.
Coding change: c.619A>G on transcript NM_020843.4 (MANE Select); coding-DNA position 619, A replaced by G.
Protein change: p.Thr207Ala; replaces threonine 207 with alanine.
Molecular consequence: missense variant. On other transcripts: 5 prime UTR variant (1), non-coding transcript variant (1).
Genome position (GRCh38, 1-based): chr15:76,795,433, T>C on the plus strand (A>G on the coding strand, the complement: SCAPER is on the minus strand). VCF-style: chr15-76795433-T-C. GRCh37 (hg19) VCF-style: chr15-77087774-T-C.
Other names: c.619A>G (NM_001353009.1); c.-279A>G (NM_001145923.2); c.619A>G, p.Thr207Ala (NM_001353009.2); c.217A>G, p.Thr73Ala (NM_001353010.2, NM_001353011.2, NM_001353012.2); short protein forms T73A, T207A.
Identifiers: ClinVar variation 3792963 (VCV003792963.2).

ClinVar aggregate classification (germline): Uncertain significance. Review status: criteria provided, multiple submitters, no conflicts (2 of 4 stars). 2 submissions from 2 submitters: Uncertain significance (2). Last evaluated 2026-09-08.

Conditions:
SCAPER-related disorder. Also called: SCAPER-related condition.
Inborn genetic diseases. Identifiers: MedGen C0950123, MeSH D030342.

gnomAD v4.1: 12 of 1,589,234 alleles (0.00076%); highest among the groups gnomAD compares: East Asian, 0.0045%; no homozygotes.

Submissions (2):

PreventionGenetics, part of Exact Sciences
Classification: Uncertain significance for SCAPER-related condition. Last evaluated: 2026-09-08. Review status: criteria provided, single submitter. Criteria: ACMG Guidelines, 2015. Collection method: clinical testing. Allele origin: germline.
Comment: The SCAPER c.619A>G variant is predicted to result in the amino acid substitution p.Thr207Ala. To our knowledge, this variant has not been reported in the literature. This variant is reported in 0.011% of alleles in individuals of East Asian descent in gnomAD. At this time, the clinical significance of this variant is uncertain due to the absence of conclusive functional and genetic evidence.

Ambry Genetics
Classification: Uncertain significance for Inborn genetic diseases. Last evaluated: 2025-01-17. Review status: criteria provided, single submitter. Criteria: Ambry Variant Classification Scheme 2023. Collection method: clinical testing. Allele origin: germline.